The following is an entry in ClinVar:

NM_004700.4(KCNQ4):c.2002T>C (p.Tyr668His)

Gene: KCNQ4 (potassium voltage-gated channel subfamily Q member 4; plus strand). Cytogenetic location: 1p34.2.
Variant type: single nucleotide variant.
Coding change: c.2002T>C on transcript NM_004700.4 (MANE Select); coding-DNA position 2002, T replaced by C.
Protein change: p.Tyr668His; replaces tyrosine 668 with histidine.
Molecular consequence: missense variant.
Genome position (GRCh38, 1-based): chr1:40,838,437, T>C. VCF-style: chr1-40838437-T-C. GRCh37 (hg19) VCF-style: chr1-41304109-T-C.
Other names: c.1840T>C, p.Tyr614His (NM_172163.3); short protein forms Y614H, Y668H.
Identifiers: ClinVar variation 2499703 (VCV002499703.1), dbSNP rs781002955, ClinGen allele CA795056.

ClinVar aggregate classification (germline): Uncertain significance (1 of 4 stars; one submission).

Allele frequency attached by ClinVar (database versions not stated): ExAC 0.00002; gnomAD 0.00003; TOPMed 0.00003.
gnomAD v4.1: 24 of 1,614,002 alleles (0.0015%); highest among the groups gnomAD compares: African/African-American, 0.0013%; no homozygotes.

Submission:

GeneDx
Classification: Uncertain significance. Last evaluated: 2022-10-24. Review status: criteria provided, single submitter. Criteria: GeneDx Variant Classification Process June 2021. Collection method: clinical testing. Allele origin: germline. Affected: yes.
Comment: In silico analysis supports that this missense variant has a deleterious effect on protein structure/function; Has not been previously published as pathogenic or benign to our knowledge